The following is an entry in ClinVar:

ClinVar aggregate classification (germline): Uncertain significance. Review status: criteria provided, multiple submitters, no conflicts (2 of 4 stars). 2 submissions from 2 submitters: Uncertain significance (2). Last evaluated 2025-05-12.

Conditions:
Hypertrophic cardiomyopathy. Also called: HYPERTROPHIC MYOCARDIOPATHY. Identifiers: Orphanet 217569, MedGen C0007194, MeSH D002312, MONDO:0005045, HP:0001639.
Cardiomyopathy (CMYO). Also called: Cardiomyopathies. Identifiers: Orphanet 167848, MedGen C0878544, MONDO:0004994, HP:0001638. Inheritance: Various modes of inheritance.

gnomAD v4.1: 1 of 1,612,894 alleles (0.000062%); highest among the groups gnomAD compares: Non-Finnish European, 0.000085%; no homozygotes.

Submissions (2):

Color Diagnostics, LLC DBA Color Health
Classification: Uncertain significance for Cardiomyopathy. Last evaluated: 2025-05-12. Review status: criteria provided, single submitter. Criteria: ACMG Guidelines, 2015. Collection method: clinical testing. Allele origin: germline.
Comment: This missense variant replaces leucine with valine at codon 934 of the MYBPC3 protein. Computational prediction suggests that this variant may have a deleterious impact on protein structure and function. To our knowledge, functional studies have not been reported for this variant. This variant has not been reported in individuals affected with MYBPC3-related disorders in the literature. This variant has been identified in 1/247792 chromosomes in the general population by the Genome Aggregation Database (gnomAD). The available evidence is insufficient to determine the role of this variant in disease conclusively. Therefore, this variant is classified as a Variant of Uncertain Significance.

Labcorp Genetics (formerly Invitae), Labcorp
Classification: Uncertain significance for Hypertrophic cardiomyopathy. Last evaluated: 2022-04-28. Review status: criteria provided, single submitter. Criteria: Invitae Variant Classification Sherloc (09022015). Collection method: clinical testing. Allele origin: germline.
Comment: In summary, the available evidence is currently insufficient to determine the role of this variant in disease. Therefore, it has been classified as a Variant of Uncertain Significance. Algorithms developed to predict the effect of missense changes on protein structure and function (SIFT, PolyPhen-2, Align-GVGD) all suggest that this variant is likely to be disruptive. This variant has not been reported in the literature in individuals affected with MYBPC3-related conditions. The frequency data for this variant in the population databases is considered unreliable, as metrics indicate poor data quality at this position in the gnomAD database. This sequence change replaces leucine, which is neutral and non-polar, with valine, which is neutral and non-polar, at codon 934 of the MYBPC3 protein (p.Leu934Val).

NM_000256.3(MYBPC3):c.2800C>G (p.Leu934Val)

Gene: MYBPC3 (myosin binding protein C3; minus strand). Cytogenetic location: 11p11.2.
Variant type: single nucleotide variant.
Coding change: c.2800C>G on transcript NM_000256.3 (MANE Select); coding-DNA position 2800, C replaced by G.
Protein change: p.Leu934Val; replaces leucine 934 with valine.
Molecular consequence: missense variant.
Genome position (GRCh38, 1-based): chr11:47,335,147, G>C on the plus strand (C>G on the coding strand, the complement: MYBPC3 is on the minus strand). VCF-style: chr11-47335147-G-C. GRCh37 (hg19) VCF-style: chr11-47356698-G-C.
Other names: short protein forms L934V.
Identifiers: ClinVar variation 2175681 (VCV002175681.4), dbSNP rs367980215, ClinGen allele CA078962.